The following is an entry in ClinVar:

NM_177550.5(SLC13A5):c.1438-113T>A

Gene: SLC13A5 (solute carrier family 13 member 5; minus strand). Cytogenetic location: 17p13.1.
Variant type: single nucleotide variant.
Coding change: c.1438-113T>A on transcript NM_177550.5 (MANE Select); 113 bases into the intron before coding-DNA position 1438, T replaced by A.
Molecular consequence: intron variant.
Genome position (GRCh38, 1-based): chr17:6,687,779, A>T on the plus strand (T>A on the coding strand, the complement: SLC13A5 is on the minus strand). VCF-style: chr17-6687779-A-T. GRCh37 (hg19) VCF-style: chr17-6591098-A-T.
Other names: c.1309-113T>A (NM_001284510.2); c.1387-113T>A (NM_001284509.2); c.1438-1441T>A (NM_001143838.3).
Identifiers: ClinVar variation 1259513 (VCV001259513.5), dbSNP rs218692, ClinGen allele CA14370073.

ClinVar aggregate classification (germline): Benign. Review status: criteria provided, multiple submitters, no conflicts (2 of 4 stars). 3 submissions from 3 submitters: Benign (3). Last evaluated 2024-07-31.

Allele frequency attached by ClinVar (database versions not stated): gnomAD exomes 0.54947; gnomAD 0.62782 and 0.62908; TOPMed 0.65146; 1000 Genomes Project 0.69329; 1000 Genomes Project 30x 0.69488.

Submissions (3):

Unidad de Genómica Garrahan, Hospital de Pediatría Garrahan
Classification: Benign. Last evaluated: 2024-07-31. Review status: criteria provided, single submitter. Criteria: ACMG Guidelines, 2015. Collection method: clinical testing. Allele origin: germline. Affected: no. Observed: 83 variant alleles.
Comment: This variant is classified as Benign based on local population frequency. This variant was detected in 89% of patients studied in a panel designed for Epileptic and Developmental Encephalopathy, Progressive Myoclonus Epilepsy and Abnormal Movements and Neurodegeneration with brain iron accumulation. Number of patients: 83. Only high quality variants are reported.

GeneDx
Classification: Benign. Last evaluated: 2018-06-25. Review status: criteria provided, single submitter. Criteria: GeneDx Variant Classification Process June 2021. Collection method: clinical testing. Allele origin: germline. Affected: yes.

Breakthrough Genomics
Classification: Benign. Review status: criteria provided, single submitter. Criteria: ACMG Guidelines, 2015. Collection method: not provided. Allele origin: germline. Inheritance: Autosomal recessive inheritance. Affected: yes.